The following is an entry in ClinVar:

ClinVar aggregate classification (germline): Uncertain significance (1 of 4 stars; one submission).

Conditions:
Immunodeficiency 35 (IMD35). Also called: Susceptibility to infection due to TYK2 deficiency; HIES WITH ATYPICAL MYCOBACTERIOSIS, AUTOSOMAL RECESSIVE; HYPER-IgE SYNDROME WITH ATYPICAL MYCOBACTERIOSIS, AUTOSOMAL RECESSIVE; TYK2 DEFICIENCY. Identifiers: Orphanet 331226, MedGen C1969086, MONDO:0012682, OMIM 611521.

Allele frequency attached by ClinVar (database versions not stated): ExAC 0.00008; ESP Exome Variant Server 0.00008.
gnomAD v4.1: 85 of 1,612,162 alleles (0.0053%); highest among the groups gnomAD compares: East Asian, 0.029%; no homozygotes.

Submission:

Labcorp Genetics (formerly Invitae), Labcorp
Classification: Uncertain significance for Immunodeficiency 35. Last evaluated: 2022-05-04. Review status: criteria provided, single submitter. Criteria: Invitae Variant Classification Sherloc (09022015). Collection method: clinical testing. Allele origin: germline.
Comment: This sequence change replaces valine, which is neutral and non-polar, with isoleucine, which is neutral and non-polar, at codon 15 of the TYK2 protein (p.Val15Ile). This variant is present in population databases (rs374780145, gnomAD 0.01%). This variant has not been reported in the literature in individuals affected with TYK2-related conditions. Algorithms developed to predict the effect of missense changes on protein structure and function are either unavailable or do not agree on the potential impact of this missense change (SIFT: "Not Available"; PolyPhen-2: "Benign"; Align-GVGD: "Not Available"). In summary, the available evidence is currently insufficient to determine the role of this variant in disease. Therefore, it has been classified as a Variant of Uncertain Significance.

NM_003331.5(TYK2):c.43G>A (p.Val15Ile)

Gene: TYK2 (tyrosine kinase 2; minus strand). Cytogenetic location: 19p13.2.
Variant type: single nucleotide variant.
Coding change: c.43G>A on transcript NM_003331.5 (MANE Select); coding-DNA position 43, G replaced by A.
Protein change: p.Val15Ile; replaces valine 15 with isoleucine.
Molecular consequence: missense variant.
Genome position (GRCh38, 1-based): chr19:10,378,364, C>T on the plus strand (G>A on the coding strand, the complement: TYK2 is on the minus strand). VCF-style: chr19-10378364-C-T. GRCh37 (hg19) VCF-style: chr19-10489040-C-T.
Other names: c.43G>A, p.Val15Ile (NM_001385197.1, NM_001385198.1, NM_001385199.1 and 8 more transcripts); short protein forms V15I.
Identifiers: ClinVar variation 1396358 (VCV001396358.5), dbSNP rs374780145, ClinGen allele CA9193897.